The following is an entry in ClinVar:

NM_016589.4(TIMMDC1):c.135C>T (p.Val45=)

Gene: TIMMDC1 (translocase of inner mitochondrial membrane domain containing 1; plus strand). Cytogenetic location: 3q13.33.
Variant type: single nucleotide variant.
Coding change: c.135C>T on transcript NM_016589.4 (MANE Select); coding-DNA position 135, C replaced by T.
Protein change: p.Val45=; no amino-acid change (valine 45 retained).
Molecular consequence: synonymous variant.
Genome position (GRCh38, 1-based): chr3:119,498,868, C>T. VCF-style: chr3-119498868-C-T. GRCh37 (hg19) VCF-style: chr3-119217715-C-T.
Other names: c.135C>T (NM_016589.3).
Identifiers: ClinVar variation 2760172 (VCV002760172.5), dbSNP rs34932768, ClinGen allele CA2555119.

ClinVar aggregate classification (germline): Likely benign. Review status: criteria provided, single submitter (1 of 4 stars). 2 submissions from 2 submitters: Likely benign (1). 1 of the submissions does not count toward it. Last evaluated 2025-12-15.

Conditions:
TIMMDC1-related disorder. Also called: TIMMDC1-related condition.

Allele frequency attached by ClinVar (database versions not stated): TOPMed 0.00054; ESP Exome Variant Server 0.00069; ExAC 0.00016; 1000 Genomes Project 0.00040; 1000 Genomes Project 30x 0.00047; gnomAD exomes 0.00004; gnomAD 0.00048.
gnomAD v4.1: 130 of 1,614,030 alleles (0.0081%); highest among the groups gnomAD compares: African/African-American, 0.15%; no homozygotes.

Submissions (2):

Labcorp Genetics (formerly Invitae), Labcorp
Classification: Likely benign. Last evaluated: 2025-12-15. Review status: criteria provided, single submitter. Criteria: Invitae Variant Classification Sherloc (09022015). Collection method: clinical testing. Allele origin: germline.

PreventionGenetics, part of Exact Sciences
Classification: Likely benign for TIMMDC1-related condition. Last evaluated: 2023-09-01. Review status: no assertion criteria provided. Collection method: clinical testing. Allele origin: germline. Not counted in ClinVar's aggregate classification.
Comment: This variant is classified as likely benign based on ACMG/AMP sequence variant interpretation guidelines (Richards et al. 2015 PMID: 25741868, with internal and published modifications).